The following is an entry in ClinVar:

NM_003873.7(NRP1):c.249G>T (p.Lys83Asn)

Gene: NRP1 (neuropilin 1; minus strand). Cytogenetic location: 10p11.22.
Variant type: single nucleotide variant.
Coding change: c.249G>T on transcript NM_003873.7 (MANE Select); coding-DNA position 249, G replaced by T.
Protein change: p.Lys83Asn; replaces lysine 83 with asparagine.
Molecular consequence: missense variant.
Genome position (GRCh38, 1-based): chr10:33,270,856, C>A on the plus strand (G>T on the coding strand, the complement: NRP1 is on the minus strand). VCF-style: chr10-33270856-C-A. GRCh37 (hg19) VCF-style: chr10-33559784-C-A.
Other names: c.249G>T, p.Lys83Asn (NM_001024628.3, NM_001024629.3, NM_001244972.2 and 2 more transcripts); short protein forms K83N.
Identifiers: ClinVar variation 3348048 (VCV003348048.1).

ClinVar aggregate classification (germline): Uncertain significance (0 of 4 stars; one submission).

Conditions:
NRP1-related disorder. Also called: NRP1-related condition.

Submission:

PreventionGenetics, part of Exact Sciences
Classification: Uncertain significance for NRP1-related condition. Last evaluated: 2024-01-12. Review status: no assertion criteria provided. Collection method: clinical testing. Allele origin: germline.
Comment: The NRP1 c.249G>T variant is predicted to result in the amino acid substitution p.Lys83Asn. To our knowledge, this variant has not been reported in the literature or in a large population database, indicating this variant is rare. At this time, the clinical significance of this variant is uncertain due to the absence of conclusive functional and genetic evidence.